The following is an entry in ClinVar:

ClinVar aggregate classification (germline): Uncertain significance (1 of 4 stars; one submission).

Allele frequency attached by ClinVar (database versions not stated): ExAC 0.00001; gnomAD exomes 0.00001; gnomAD 0.00003; TOPMed 0.00003.
gnomAD v4.1: 28 of 1,614,048 alleles (0.0017%); highest among the groups gnomAD compares: African/African-American, 0.004%; no homozygotes.

Submission:

Labcorp Genetics (formerly Invitae), Labcorp
Classification: Uncertain significance. Last evaluated: 2022-07-29. Review status: criteria provided, single submitter. Criteria: Invitae Variant Classification Sherloc (09022015). Collection method: clinical testing. Allele origin: germline.
Comment: This sequence change replaces serine, which is neutral and polar, with leucine, which is neutral and non-polar, at codon 594 of the TRAPPC9 protein (p.Ser594Leu). This variant is present in population databases (rs767698306, gnomAD 0.02%). This variant has not been reported in the literature in individuals affected with TRAPPC9-related conditions. Algorithms developed to predict the effect of missense changes on protein structure and function are either unavailable or do not agree on the potential impact of this missense change (SIFT: "Not Available"; PolyPhen-2: "Probably Damaging"; Align-GVGD: "Not Available"). In summary, the available evidence is currently insufficient to determine the role of this variant in disease. Therefore, it has been classified as a Variant of Uncertain Significance.

NM_001160372.4(TRAPPC9):c.1487C>T (p.Ser496Leu)

Gene: TRAPPC9 (trafficking protein particle complex subunit 9; minus strand). Cytogenetic location: 8q24.3.
Variant type: single nucleotide variant.
Coding change: c.1487C>T on transcript NM_001160372.4 (MANE Select); coding-DNA position 1487, C replaced by T.
Protein change: p.Ser496Leu; replaces serine 496 with leucine.
Molecular consequence: missense variant. On other transcripts: non-coding transcript variant (1), intron variant (1).
Genome position (GRCh38, 1-based): chr8:140,360,058, G>A on the plus strand (C>T on the coding strand, the complement: TRAPPC9 is on the minus strand). VCF-style: chr8-140360058-G-A. GRCh37 (hg19) VCF-style: chr8-141370157-G-A.
Other names: c.1460C>T, p.Ser487Leu (NM_001321646.2); c.1508C>T, p.Ser503Leu (NM_001374682.1); c.1487C>T, p.Ser496Leu (NM_001374683.1, NM_031466.8); c.1351+10906C>T (NM_001374684.1); short protein forms S487L, S496L, S503L.
Identifiers: ClinVar variation 1917559 (VCV001917559.2), dbSNP rs767698306, ClinGen allele CA4893451.
Genomic context (GRCh38, chr8:140,360,058, plus strand): 5'-GCTCTCATTCACAGTTCCTTGAAAAAAAACATTGTGGTTTGAGCTCACTCACCCTGATCC[G>A]ACAAGAAGTCCAGCATGGTCTGTAGAAGGAAGGACAGGTGTCTGACAGAGAGGGCAGGGT-3'
Protein context (NP_001153844.1, residues 486-506): FLLQTMLDFL[Ser496Leu]DQEKKDVAQS